The following is an entry in ClinVar:

ClinVar aggregate classification (germline): Conflicting classifications of pathogenicity. Review status: criteria provided, conflicting classifications (1 of 4 stars). 3 submissions from 3 submitters: Uncertain significance (1); Likely benign (1). 1 of the submissions does not count toward it. Last evaluated 2025-09-06.

Conditions:
Hereditary cancer-predisposing syndrome. Also called: Neoplastic Syndromes, Hereditary; Tumor predisposition; Hereditary neoplastic syndrome; Hereditary Cancer Syndrome. Identifiers: Orphanet 140162, MedGen C0027672, MeSH D009386, MONDO:0015356.
Breast-ovarian cancer, familial, susceptibility to, 2 (BROVCA2). Also called: BRCA2 Hereditary Breast and Ovarian Cancer. Identifiers: Orphanet 145, MedGen C2675520, MONDO:0012933, OMIM 612555. Disease mechanism: loss of function.

Allele frequency attached by ClinVar (database versions not stated): gnomAD exomes below 0.00001.
gnomAD v4.1: 1 of 1,600,918 alleles (0.000062%); highest among the groups gnomAD compares: Non-Finnish European, 0.000085%; no homozygotes.

Submissions (3):

Ambry Genetics
Classification: Uncertain significance for Hereditary cancer-predisposing syndrome. Last evaluated: 2025-09-06. Review status: criteria provided, single submitter. Criteria: Ambry Variant Classification Scheme 2023. Collection method: clinical testing. Allele origin: germline.
Comment: The p.S2172P variant (also known as c.6514T>C), located in coding exon 10 of the BRCA2 gene, results from a T to C substitution at nucleotide position 6514. The serine at codon 2172 is replaced by proline, an amino acid with similar properties. This amino acid position is not well conserved in available vertebrate species. In addition, this alteration is predicted to be tolerated by in silico analysis. Since supporting evidence is limited at this time, the clinical significance of this alteration remains unclear.

University of Washington Department of Laboratory Medicine, University of Washington
Classification: Likely benign for Hereditary cancer-predisposing syndrome. Last evaluated: 2023-03-23. Review status: criteria provided, single submitter. Criteria: Dines et al. (Genet Med. 2020). Collection method: curation. Allele origin: germline.
Comment: Missense variant in a coldspot region where missense variants are very unlikely to be pathogenic (PMID:31911673).

BRCA2 exon 11 coldspot. Reclassification based on statistical prior probability.

BRCAlab, Lund University
Classification: Uncertain significance for Breast-ovarian cancer, familial, susceptibility to, 2. Last evaluated: 2020-03-02. Review status: no assertion criteria provided. Collection method: clinical testing. Allele origin: germline. Affected: yes. Not counted in ClinVar's aggregate classification.

NM_000059.4(BRCA2):c.6514T>C (p.Ser2172Pro)

Gene: BRCA2 (BRCA2 DNA repair associated; plus strand). Cytogenetic location: 13q13.1.
Variant type: single nucleotide variant.
Coding change: c.6514T>C on transcript NM_000059.4 (MANE Select); coding-DNA position 6514, T replaced by C.
Protein change: p.Ser2172Pro; replaces serine 2172 with proline.
Molecular consequence: missense variant.
Genome position (GRCh38, 1-based): chr13:32,340,869, T>C. VCF-style: chr13-32340869-T-C. GRCh37 (hg19) VCF-style: chr13-32915006-T-C.
Other names: c.6514T>C, p.Ser2172Pro (NM_001406719.1, NM_001406720.1); short protein forms S2172P.
Identifiers: ClinVar variation 1753975 (VCV001753975.6), dbSNP rs1222261194, ClinGen allele CA387789596.
Genomic context (GRCh38, chr13:32,340,869, plus strand): 5'-TCTCCATATCTCTCTCAATTTCAACAAGACAAACAACAGTTGGTATTAGGAACCAAAGTG[T>C]CACTTGTTGAGAACATTCATGTTTTGGGAAAAGAACAGGCTTCACCTAAAAACGTAAAAA-3'
Protein context (NP_000050.3, residues 2162-2182): KQQLVLGTKV[Ser2172Pro]LVENIHVLGK